The following is an entry in ClinVar:

NM_000334.4(SCN4A):c.5162C>T (p.Thr1721Ile)

Genes: GH-LCR (growth hormone locus control region; plus strand), SCN4A (sodium voltage-gated channel alpha subunit 4; minus strand). Cytogenetic location: 17q23.3.
Variant type: single nucleotide variant.
Coding change: c.5162C>T on transcript NM_000334.4 (MANE Select); coding-DNA position 5162, C replaced by T.
Protein change: p.Thr1721Ile; replaces threonine 1721 with isoleucine.
Molecular consequence: missense variant.
Genome position (GRCh38, 1-based): chr17:63,941,120, G>A on the plus strand (C>T on the coding strand, the complement: SCN4A is on the minus strand). VCF-style: chr17-63941120-G-A. GRCh37 (hg19) VCF-style: chr17-62018480-G-A.
Other names: short protein forms T1721I.
Identifiers: ClinVar variation 805397 (VCV000805397.3), dbSNP rs1172419975, ClinGen allele CA400613697.

ClinVar aggregate classification (germline): Uncertain significance. Review status: criteria provided, multiple submitters, no conflicts (2 of 4 stars). 2 submissions from 2 submitters: Uncertain significance (2). Last evaluated 2024-12-31.

Conditions:
Hyperkalemic periodic paralysis. Also called: Familial hyperkalemic periodic paralysis; Gamstorp disease. Identifiers: Orphanet 682, MedGen C0238357, MONDO:0008224, OMIM 170500, HP:0007215.

Allele frequency attached by ClinVar (database versions not stated): gnomAD below 0.00001 and 0.00001; gnomAD exomes below 0.00001.

Submissions (2):

Labcorp Genetics (formerly Invitae), Labcorp
Classification: Uncertain significance for Hyperkalemic periodic paralysis. Last evaluated: 2024-12-31. Review status: criteria provided, single submitter. Criteria: Invitae Variant Classification Sherloc (09022015). Collection method: clinical testing. Allele origin: germline.
Comment: This sequence change replaces threonine, which is neutral and polar, with isoleucine, which is neutral and non-polar, at codon 1721 of the SCN4A protein (p.Thr1721Ile). This variant is present in population databases (no rsID available, gnomAD 0.006%). This variant has not been reported in the literature in individuals affected with SCN4A-related conditions. ClinVar contains an entry for this variant (Variation ID: 805397). Invitae Evidence Modeling of protein sequence and biophysical properties (such as structural, functional, and spatial information, amino acid conservation, physicochemical variation, residue mobility, and thermodynamic stability) indicates that this missense variant is expected to disrupt SCN4A protein function with a positive predictive value of 95%. In summary, the available evidence is currently insufficient to determine the role of this variant in disease. Therefore, it has been classified as a Variant of Uncertain Significance.

Athena Diagnostics
Classification: Uncertain significance. Last evaluated: 2019-07-15. Review status: criteria provided, single submitter. Criteria: Athena Diagnostics Criteria. Collection method: clinical testing. Allele origin: germline.